The following is an entry in ClinVar:

NM_006912.6(RIT1):c.128G>C (p.Ser43Thr)

Gene: RIT1 (Ras like without CAAX 1; minus strand). Cytogenetic location: 1q22.
Variant type: single nucleotide variant.
Coding change: c.128G>C on transcript NM_006912.6 (MANE Select); coding-DNA position 128, G replaced by C.
Protein change: p.Ser43Thr; replaces serine 43 with threonine.
Molecular consequence: missense variant.
Genome position (GRCh38, 1-based): chr1:155,910,485, C>G on the plus strand (G>C on the coding strand, the complement: RIT1 is on the minus strand). VCF-style: chr1-155910485-C-G. GRCh37 (hg19) VCF-style: chr1-155880276-C-G.
Other names: c.20G>C, p.Ser7Thr (NM_001256820.2); c.179G>C, p.Ser60Thr (NM_001256821.2); short protein forms S43T, S60T, S7T.
Identifiers: ClinVar variation 2908618 (VCV002908618.3), dbSNP rs1400808611, ClinGen allele CA342776030.
Genomic context (GRCh38, chr1:155,910,485, plus strand): 5'-AAACATAAGTGATGATCTGGCTTACCAATGGTGGGATCATGATCTTCTGGGAATCGGTGG[C>G]TGATGAACTGCATGGTCATGGCTTCAAAAGAAGAAATAAAAGTCAAATCCTCACAAAGGT-3'
Protein context (NP_008843.1, residues 33-53): GKSAMTMQFI[Ser43Thr]HRFPEDHDPT

ClinVar aggregate classification (germline): Uncertain significance (1 of 4 stars; one submission).

Conditions:
Noonan syndrome 8 (NS8). Identifiers: Orphanet 648, MedGen C3809233, MONDO:0014143, OMIM 615355.

Allele frequency attached by ClinVar (database versions not stated): gnomAD exomes below 0.00001; TOPMed 0.00001.
gnomAD v4.1: 2 of 1,614,162 alleles (0.00012%); highest among the groups gnomAD compares: Admixed American, 0.0033%; no homozygotes.

Submission:

Labcorp Genetics (formerly Invitae), Labcorp
Classification: Uncertain significance for Noonan syndrome 8. Last evaluated: 2026-01-04. Review status: criteria provided, single submitter. Criteria: Invitae Variant Classification Sherloc (09022015). Collection method: clinical testing. Allele origin: germline.
Comment: This sequence change replaces serine, which is neutral and polar, with threonine, which is neutral and polar, at codon 43 of the RIT1 protein (p.Ser43Thr). This variant is present in population databases (no rsID available, gnomAD 0.006%). This variant has not been reported in the literature in individuals affected with RIT1-related conditions. ClinVar contains an entry for this variant (Variation ID: 2908618). Invitae Evidence Modeling of protein sequence and biophysical properties (such as structural, functional, and spatial information, amino acid conservation, physicochemical variation, residue mobility, and thermodynamic stability) indicates that this missense variant is not expected to disrupt RIT1 protein function with a negative predictive value of 95%. In summary, the available evidence is currently insufficient to determine the role of this variant in disease. Therefore, it has been classified as a Variant of Uncertain Significance.